The following is an entry in ClinVar:

NM_006767.4(LZTR1):c.95A>T (p.His32Leu)

Genes: LZTR1 (leucine zipper like post translational regulator 1; plus strand), LOC130067016 (ATAC-STARR-seq lymphoblastoid silent region 13504; plus strand). Cytogenetic location: 22q11.21.
Variant type: single nucleotide variant.
Coding change: c.95A>T on transcript NM_006767.4 (MANE Select); coding-DNA position 95, A replaced by T.
Protein change: p.His32Leu; replaces histidine 32 with leucine.
Molecular consequence: missense variant.
Genome position (GRCh38, 1-based): chr22:20,982,466, A>T. VCF-style: chr22-20982466-A-T. GRCh37 (hg19) VCF-style: chr22-21336755-A-T.
Other names: short protein forms H32L.
Identifiers: ClinVar variation 3541605 (VCV003541605.1).
Genomic context (GRCh38, chr22:20,982,466, plus strand): 5'-GGGCTGCGGCCCTGGCAGGCGGCGCGCGGTCCAAGGTAGCCCCGAGCGTGGACTTCGACC[A>T]TAGCTGCTCGGACAGTGTCGAGTACCTGACGCTCAACTTCGGGCCCTTCGAAACAGTGCA-3'
Protein context (NP_006758.2, residues 22-42): SKVAPSVDFD[His32Leu]SCSDSVEYLT

ClinVar aggregate classification (germline): Uncertain significance (1 of 4 stars; one submission).

Conditions:
Hereditary cancer-predisposing syndrome. Also called: Hereditary Cancer Syndrome; Hereditary neoplastic syndrome; Tumor predisposition; Neoplastic Syndromes, Hereditary. Identifiers: Orphanet 140162, MedGen C0027672, MeSH D009386, MONDO:0015356.
Cardiovascular phenotype. Identifiers: MedGen CN230736.

gnomAD v4.1: 1 of 1,608,612 alleles (0.000062%); highest among the groups gnomAD compares: Non-Finnish European, 0.000085%; no homozygotes.

Submission:

Ambry Genetics
Classification: Uncertain significance for Cardiovascular phenotype; Hereditary cancer-predisposing syndrome. Last evaluated: 2024-08-15. Review status: criteria provided, single submitter. Criteria: Ambry Variant Classification Scheme 2023. Collection method: clinical testing. Allele origin: germline.
Comment: The p.H32L variant (also known as c.95A>T), located in coding exon 1 of the LZTR1 gene, results from an A to T substitution at nucleotide position 95. The histidine at codon 32 is replaced by leucine, an amino acid with similar properties. This amino acid position is conserved. In addition, the in silico prediction for this alteration is inconclusive. Based on the available evidence, the clinical significance of this variant remains unclear.